The following is an entry in ClinVar:

ClinVar aggregate classification (germline): Uncertain significance. Review status: criteria provided, multiple submitters, no conflicts (2 of 4 stars). 2 submissions from 2 submitters: Uncertain significance (2). Last evaluated 2025-12-03.

Conditions:
Inborn genetic diseases. Identifiers: MedGen C0950123, MeSH D030342.
Symmetrical dyschromatosis of extremities (DSH). Also called: Dyschromatosis symmetrica hereditaria; RETICULATE ACROPIGMENTATION OF DOHI; DYSCHROMATOSIS SYMMETRICA HEREDITARIA 1; SYMMETRIC DYSCHROMATOSIS OF THE EXTREMITIES. Identifiers: Orphanet 41, MedGen C0406775, MONDO:0007483, OMIM 127400.
Aicardi-Goutieres syndrome 6 (AGS6). Identifiers: Orphanet 51, MedGen C3539013, MONDO:0014007, OMIM 615010.

Allele frequency attached by ClinVar (database versions not stated): gnomAD exomes 0.00001; TOPMed 0.00018; 1000 Genomes Project 30x 0.00031; ExAC 0.00001; gnomAD 0.00005 and 0.00004; 1000 Genomes Project 0.00020.
gnomAD v4.1: 20 of 1,614,080 alleles (0.0012%); highest among the groups gnomAD compares: Admixed American, 0.02%; no homozygotes.

Submissions (2):

Labcorp Genetics (formerly Invitae), Labcorp
Classification: Uncertain significance for Aicardi-Goutieres syndrome 6; Symmetrical dyschromatosis of extremities. Last evaluated: 2025-12-03. Review status: criteria provided, single submitter. Criteria: Invitae Variant Classification Sherloc (09022015). Collection method: clinical testing. Allele origin: germline.
Comment: This sequence change replaces aspartic acid, which is acidic and polar, with valine, which is neutral and non-polar, at codon 312 of the ADAR protein (p.Asp312Val). This variant is present in population databases (rs200192885, gnomAD 0.009%). This variant has not been reported in the literature in individuals affected with ADAR-related conditions. ClinVar contains an entry for this variant (Variation ID: 1044921). Invitae Evidence Modeling of protein sequence and biophysical properties (such as structural, functional, and spatial information, amino acid conservation, physicochemical variation, residue mobility, and thermodynamic stability) indicates that this missense variant is not expected to disrupt ADAR protein function with a negative predictive value of 80%. In summary, the available evidence is currently insufficient to determine the role of this variant in disease. Therefore, it has been classified as a Variant of Uncertain Significance.

Ambry Genetics
Classification: Uncertain significance for Inborn genetic diseases. Last evaluated: 2021-07-15. Review status: criteria provided, single submitter. Criteria: Ambry Variant Classification Scheme 2023. Collection method: clinical testing. Allele origin: germline.

NM_001111.5(ADAR):c.935A>T (p.Asp312Val)

Gene: ADAR (adenosine deaminase RNA specific; minus strand). Cytogenetic location: 1q21.3.
Variant type: single nucleotide variant.
Coding change: c.935A>T on transcript NM_001111.5 (MANE Select); coding-DNA position 935, A replaced by T.
Protein change: p.Asp312Val; replaces aspartic acid 312 with valine.
Molecular consequence: missense variant.
Genome position (GRCh38, 1-based): chr1:154,601,707, T>A on the plus strand (A>T on the coding strand, the complement: ADAR is on the minus strand). VCF-style: chr1-154601707-T-A. GRCh37 (hg19) VCF-style: chr1-154574183-T-A.
Other names: c.50A>T, p.Asp17Val (NM_001025107.3, NM_001193495.2, NM_001365046.1 and 3 more transcripts); c.962A>T, p.Asp321Val (NM_001365045.1); c.935A>T, p.Asp312Val (NM_015840.4, NM_015841.4); c.935A>T (NM_001111.4); short protein forms D321V, D17V, D312V.
Identifiers: ClinVar variation 1044921 (VCV001044921.8), dbSNP rs200192885, ClinGen allele CA1131618.